The following is an entry in ClinVar:

ClinVar aggregate classification (germline): Pathogenic (1 of 4 stars; one submission).

Conditions:
ARX-related disorder. Also called: ARX-Related Disorders; ARX-related condition. Identifiers: MedGen CN378769.

Submission:

PreventionGenetics, part of Exact Sciences
Classification: Pathogenic for ARX-related condition. Last evaluated: 2025-06-02. Review status: criteria provided, single submitter. Criteria: ACMG Guidelines, 2015. Collection method: clinical testing. Allele origin: germline.
Comment: The ARX c.43G>T variant is predicted to result in premature protein termination (p.Glu15*). To our knowledge, this variant has not been reported in the literature or in a large population database (gnomAD), indicating this variant is rare. Nonsense variants in ARX are expected to be pathogenic. This variant is interpreted as pathogenic.

NM_139058.3(ARX):c.43G>T (p.Glu15Ter)

Gene: ARX (aristaless related homeobox; minus strand). Cytogenetic location: Xp21.3.
Variant type: single nucleotide variant.
Coding change: c.43G>T on transcript NM_139058.3 (MANE Select); coding-DNA position 43, G replaced by T.
Protein change: p.Glu15Ter; replaces glutamic acid 15 with a stop codon.
Molecular consequence: nonsense.
Genome position (GRCh38, 1-based): chrX:25,015,695, C>A on the plus strand (G>T on the coding strand, the complement: ARX is on the minus strand). VCF-style: chrX-25015695-C-A. GRCh37 (hg19) VCF-style: chrX-25033812-C-A.
Other names: short protein forms E15*.
Identifiers: ClinVar variation 4999439 (VCV004999439.1).